The following is an entry in ClinVar:

NM_001278116.2(L1CAM):c.1477G>A (p.Gly493Arg)

Gene: L1CAM (L1 cell adhesion molecule; minus strand). Cytogenetic location: Xq28.
Variant type: single nucleotide variant.
Coding change: c.1477G>A on transcript NM_001278116.2 (MANE Select); coding-DNA position 1477, G replaced by A.
Protein change: p.Gly493Arg; replaces glycine 493 with arginine.
Molecular consequence: missense variant.
Genome position (GRCh38, 1-based): chrX:153,868,630, C>T on the plus strand (G>A on the coding strand, the complement: L1CAM is on the minus strand). VCF-style: chrX-153868630-C-T. GRCh37 (hg19) VCF-style: chrX-153134085-C-T.
Other names: c.1477G>A, p.Gly493Arg (NM_000425.5, NM_024003.3); c.1462G>A, p.Gly488Arg (NM_001143963.2); short protein forms G488R, G493R.
Identifiers: ClinVar variation 3364319 (VCV003364319.1).
Genomic context (GRCh38, chrX:153,868,630, plus strand): 5'-TCAGGTTAGCCATGATGGTAACATTGTTTTGGTCATTGGCAGCCAGGCAGAAGTAGCGTC[C>T]GGTGTCATTGGCCTGGAGGTCTCGAATGCCCAGGGTCCCATTGGCATAGGGGAAGAAGCG-3'
Protein context (NP_001265045.1, residues 483-503): GIRDLQANDT[Gly493Arg]RYFCLAANDQ

ClinVar aggregate classification (germline): Uncertain significance (1 of 4 stars; one submission).

gnomAD v4.1: 31 of 1,209,891 alleles (0.0026%); highest among the groups gnomAD compares: Admixed American, 0.0044%; no homozygotes.

Submission:

GeneDx
Classification: Uncertain significance. Last evaluated: 2023-11-16. Review status: criteria provided, single submitter. Criteria: GeneDx Variant Classification Process June 2021. Collection method: clinical testing. Allele origin: germline. Affected: yes.
Comment: Not observed at significant frequency in large population cohorts (gnomAD); In silico analysis supports that this missense variant has a deleterious effect on protein structure/function; Has not been previously published as pathogenic or benign to our knowledge